The following is an entry in ClinVar:

NM_001080476.3(GRXCR1):c.296T>C (p.Ile99Thr)

Gene: GRXCR1 (glutaredoxin and cysteine rich domain containing 1; plus strand). Cytogenetic location: 4p13.
Variant type: single nucleotide variant.
Coding change: c.296T>C on transcript NM_001080476.3 (MANE Select); coding-DNA position 296, T replaced by C.
Protein change: p.Ile99Thr; replaces isoleucine 99 with threonine.
Molecular consequence: missense variant.
Genome position (GRCh38, 1-based): chr4:42,893,562, T>C. VCF-style: chr4-42893562-T-C. GRCh37 (hg19) VCF-style: chr4-42895579-T-C.
Other names: short protein forms I99T.
Identifiers: ClinVar variation 163654 (VCV000163654.4), dbSNP rs727503088, ClinGen allele CA176270.
Genomic context (GRCh38, chr4:42,893,562, plus strand): 5'-GCTTGCTGGTGTTAGCAAGGGCTGCCAGTGAGAAGGGTTTTGGTACAAGAAGAGTCAACA[T>C]TTTAAGCAAAAATGGCACAGTCAGAGGCGTCAAATACAAAGTGAGTGCTGGCCAGGCTCT-3'
Protein context (NP_001073945.1, residues 89-109): EKGFGTRRVN[Ile99Thr]LSKNGTVRGV

ClinVar aggregate classification (germline): Uncertain significance (1 of 4 stars; one submission).

Allele frequency attached by ClinVar (database versions not stated): gnomAD exomes below 0.00001; gnomAD 0.00001.
gnomAD v4.1: 2 of 1,613,740 alleles (0.00012%); highest among the groups gnomAD compares: African/African-American, 0.0013%; no homozygotes.

Submission:

Laboratory for Molecular Medicine, Mass General Brigham Personalized Medicine
Classification: Uncertain significance. Last evaluated: 2013-08-13. Review status: criteria provided, single submitter. Criteria: LMM Criteria. Collection method: clinical testing. Allele origin: germline. Observed: 1 variant allele.
Comment: The Ile99Thr variant in GRXCR1 has not been previously reported in individuals w ith hearing loss or in large population studies. Computational analyses (bioche mical amino acid properties, conservation, AlignGVGD, PolyPhen2, and SIFT) do no t provide strong support for or against an impact to the protein. In summary, t he clinical significance of this variant cannot be determined without additional data.